The following is an entry in ClinVar:

NM_003334.4(UBA1):c.3170T>G (p.Ile1057Ser)

Gene: UBA1 (ubiquitin like modifier activating enzyme 1; plus strand). Cytogenetic location: Xp11.3.
Variant type: single nucleotide variant.
Coding change: c.3170T>G on transcript NM_003334.4 (MANE Select); coding-DNA position 3170, T replaced by G.
Protein change: p.Ile1057Ser; replaces isoleucine 1057 with serine.
Molecular consequence: missense variant.
Genome position (GRCh38, 1-based): chrX:47,214,922, T>G. VCF-style: chrX-47214922-T-G. GRCh37 (hg19) VCF-style: chrX-47074321-T-G.
Other names: c.3170T>G, p.Ile1057Ser (NM_153280.3); short protein forms I1057S.
Identifiers: ClinVar variation 1042510 (VCV001042510.8), dbSNP rs1164940967, ClinGen allele CA412812616.

ClinVar aggregate classification (germline): Uncertain significance (1 of 4 stars; one submission).

Conditions:
Infantile-onset X-linked spinal muscular atrophy. Also called: AMC, DISTAL, X-LINKED; ARTHROGRYPOSIS, X-LINKED, TYPE I; SPINAL MUSCULAR ATROPHY, X-LINKED LETHAL INFANTILE; Spinal Muscular Atrophy, X-Linked Infantile; Spinal muscular atrophy, X-linked 2. Identifiers: Orphanet 1145, MedGen C1844934, MONDO:0010532, OMIM 301830.

Allele frequency attached by ClinVar (database versions not stated): TOPMed below 0.00001; gnomAD exomes 0.00001; gnomAD 0.00002.
gnomAD v4.1: 8 of 1,208,570 alleles (0.00066%); highest among the groups gnomAD compares: Admixed American, 0.0022%; no homozygotes.

Submission:

Labcorp Genetics (formerly Invitae), Labcorp
Classification: Uncertain significance for Infantile-onset X-linked spinal muscular atrophy. Last evaluated: 2018-04-06. Review status: criteria provided, single submitter. Criteria: Invitae Variant Classification Sherloc (09022015). Collection method: clinical testing. Allele origin: germline.
Comment: This variant has not been reported in the literature in individuals with UBA1-related disease. In summary, the available evidence is currently insufficient to determine the role of this variant in disease. Therefore, it has been classified as a Variant of Uncertain Significance. Algorithms developed to predict the effect of sequence changes on RNA splicing suggest that this variant may create or strengthen a splice site, but this prediction has not been confirmed by published transcriptional studies. Algorithms developed to predict the effect of missense changes on protein structure and function do not agree on the potential impact of this missense change (SIFT: "Deleterious"; PolyPhen-2: "Benign"; Align-GVGD: "Class C0"). This variant is not present in population databases (ExAC no frequency). This sequence change replaces isoleucine with serine at codon 1057 of the UBA1 protein (p.Ile1057Ser). The isoleucine residue is moderately conserved and there is a large physicochemical difference between isoleucine and serine.